The following is an entry in ClinVar:

ClinVar aggregate classification (germline): Benign. Review status: criteria provided, multiple submitters, no conflicts (2 of 4 stars). 2 submissions from 2 submitters: Benign (2). Last evaluated 2018-06-16.

Allele frequency attached by ClinVar (database versions not stated): 1000 Genomes Project 30x 0.02311; gnomAD 0.02328; 1000 Genomes Project 0.02476; TOPMed 0.02634.
gnomAD v4.1: 3,523 of 152,312 alleles (2.3%); highest among the groups gnomAD compares: African/African-American, 7.9%; 131 homozygotes.

Submissions (2):

GeneDx
Classification: Benign. Last evaluated: 2018-06-16. Review status: criteria provided, single submitter. Criteria: GeneDx Variant Classification (06012015). Collection method: clinical testing. Allele origin: germline. Affected: yes.
Comment: This variant is considered likely benign or benign based on one or more of the following criteria: it is a conservative change, it occurs at a poorly conserved position in the protein, it is predicted to be benign by multiple in silico algorithms, and/or has population frequency not consistent with disease.

Breakthrough Genomics
Classification: Benign. Review status: criteria provided, single submitter. Criteria: ACMG Guidelines, 2015. Collection method: not provided. Allele origin: germline. Inheritance: Autosomal dominant inheritance. Affected: yes.

NM_000258.3(MYL3):c.129+193C>A

Gene: MYL3 (myosin light chain 3; minus strand). Cytogenetic location: 3p21.31.
Variant type: single nucleotide variant.
Coding change: c.129+193C>A on transcript NM_000258.3 (MANE Select); 193 bases into the intron after coding-DNA position 129, C replaced by A.
Molecular consequence: intron variant.
Genome position (GRCh38, 1-based): chr3:46,863,069, G>T on the plus strand (C>A on the coding strand, the complement: MYL3 is on the minus strand). VCF-style: chr3-46863069-G-T. GRCh37 (hg19) VCF-style: chr3-46904559-G-T.
Identifiers: ClinVar variation 672786 (VCV000672786.2), dbSNP rs28763895, ClinGen allele CA11530721.